The following is an entry in ClinVar:

ClinVar aggregate classification (germline): Uncertain significance (1 of 4 stars; one submission).

Allele frequency attached by ClinVar (database versions not stated): gnomAD exomes below 0.00001.
gnomAD v4.1: 1 of 1,614,068 alleles (0.000062%); highest among the groups gnomAD compares: Non-Finnish European, 0.000085%; no homozygotes.

Submission:

GeneDx
Classification: Uncertain significance. Last evaluated: 2024-04-04. Review status: criteria provided, single submitter. Criteria: GeneDx Variant Classification Process June 2021. Collection method: clinical testing. Allele origin: germline.
Comment: Not observed at significant frequency in large population cohorts (gnomAD); In silico analysis indicates that this missense variant does not alter protein structure/function; Has not been previously published as pathogenic or benign to our knowledge

NM_012309.5(SHANK2):c.3746T>C (p.Ile1249Thr)

Gene: SHANK2 (SH3 and multiple ankyrin repeat domains 2; minus strand). Cytogenetic location: 11q13.3.
Variant type: single nucleotide variant.
Coding change: c.3746T>C on transcript NM_012309.5 (MANE Select); coding-DNA position 3746, T replaced by C.
Protein change: p.Ile1249Thr; replaces isoleucine 1249 with threonine.
Molecular consequence: missense variant.
Genome position (GRCh38, 1-based): chr11:70,486,547, A>G on the plus strand (T>C on the coding strand, the complement: SHANK2 is on the minus strand). VCF-style: chr11-70486547-A-G. GRCh37 (hg19) VCF-style: chr11-70332652-A-G.
Other names: c.2609T>C, p.Ile870Thr (NM_001379226.1); c.1982T>C, p.Ile661Thr (NM_133266.5); short protein forms I1249T, I661T, I870T.
Identifiers: ClinVar variation 2663579 (VCV002663579.2), dbSNP rs2495493916, ClinGen allele CA381685187.
Genomic context (GRCh38, chr11:70,486,547, plus strand): 5'-GTGTTCTGCCTGGTGACCGTAGGGAAGCCGGCATCCAGGCTGGGCCGCATTTTGGTATCA[A>G]TGTAAAGAGGTTTGTTGAGGTCGGCCTTGGGGGCCTCCCCTTTGGGTCCCTGTTGAGACT-3'
Protein context (NP_036441.2, residues 1239-1259): PKADLNKPLY[Ile1249Thr]DTKMRPSLDA